The following is an entry in ClinVar:

ClinVar aggregate classification (germline): Uncertain significance (1 of 4 stars; one submission).

Submission:

Labcorp Genetics (formerly Invitae), Labcorp
Classification: Uncertain significance. Last evaluated: 2022-10-18. Review status: criteria provided, single submitter. Criteria: Invitae Variant Classification Sherloc (09022015). Collection method: clinical testing. Allele origin: germline.
Comment: This sequence change replaces arginine, which is basic and polar, with threonine, which is neutral and polar, at codon 819 of the PDZD7 protein (p.Arg819Thr). This variant is not present in population databases (gnomAD no frequency). This variant has not been reported in the literature in individuals affected with PDZD7-related conditions. Advanced modeling of protein sequence and biophysical properties (such as structural, functional, and spatial information, amino acid conservation, physicochemical variation, residue mobility, and thermodynamic stability) performed at Invitae indicates that this missense variant is not expected to disrupt PDZD7 protein function. In summary, the available evidence is currently insufficient to determine the role of this variant in disease. Therefore, it has been classified as a Variant of Uncertain Significance.

NM_001195263.2(PDZD7):c.2456G>C (p.Arg819Thr)

Gene: PDZD7 (PDZ domain containing 7; minus strand). Cytogenetic location: 10q24.31.
Variant type: single nucleotide variant.
Coding change: c.2456G>C on transcript NM_001195263.2 (MANE Select); coding-DNA position 2456, G replaced by C.
Protein change: p.Arg819Thr; replaces arginine 819 with threonine.
Molecular consequence: missense variant.
Genome position (GRCh38, 1-based): chr10:101,010,433, C>G on the plus strand (G>C on the coding strand, the complement: PDZD7 is on the minus strand). VCF-style: chr10-101010433-C-G. GRCh37 (hg19) VCF-style: chr10-102770190-C-G.
Other names: short protein forms R819T.
Identifiers: ClinVar variation 2128632 (VCV002128632.4), dbSNP rs2492780176, ClinGen allele CA378224132.